The following is an entry in ClinVar:

NM_016138.5(COQ7):c.128A>G (p.Asn43Ser)

Gene: COQ7 (coenzyme Q7, hydroxylase; plus strand). Cytogenetic location: 16p12.3.
Variant type: single nucleotide variant.
Coding change: c.128A>G on transcript NM_016138.5 (MANE Select); coding-DNA position 128, A replaced by G.
Protein change: p.Asn43Ser; replaces asparagine 43 with serine.
Molecular consequence: missense variant. On other transcripts: non-coding transcript variant (3).
Genome position (GRCh38, 1-based): chr16:19,071,982, A>G. VCF-style: chr16-19071982-A-G. GRCh37 (hg19) VCF-style: chr16-19083304-A-G.
Other names: c.14A>G, p.Asn5Ser (NM_001190983.2, NM_001370492.1, NM_001370493.1 and 2 more transcripts); c.86A>G, p.Asn29Ser (NM_001370489.1, NM_001370491.1); c.128A>G, p.Asn43Ser (NM_001370490.1); short protein forms N29S, N5S, N43S.
Identifiers: ClinVar variation 2837571 (VCV002837571.3), dbSNP rs370395296, ClinGen allele CA7932889.
Genomic context (GRCh38, chr16:19,071,982, plus strand): 5'-TTTCAGCTTATGGAAGAAGAACCAGTGTCAGATTTCGCAGTTCAGGAATGACTTTAGACA[A>G]TATCAGTCGGGCAGCTGTGGATCGAATAATCCGGGTGGATCATGCAGGCGAATATGGAGC-3'
Protein context (NP_057222.2, residues 33-53): RFRSSGMTLD[Asn43Ser]ISRAAVDRII

ClinVar aggregate classification (germline): Uncertain significance (1 of 4 stars; one submission).

Allele frequency attached by ClinVar (database versions not stated): TOPMed 0.00001; ExAC 0.00002; gnomAD 0.00004; ESP Exome Variant Server 0.00008.

Submission:

Labcorp Genetics (formerly Invitae), Labcorp
Classification: Uncertain significance. Last evaluated: 2024-01-11. Review status: criteria provided, single submitter. Criteria: Invitae Variant Classification Sherloc (09022015). Collection method: clinical testing. Allele origin: germline.
Comment: This sequence change replaces asparagine, which is neutral and polar, with serine, which is neutral and polar, at codon 43 of the COQ7 protein (p.Asn43Ser). This variant is present in population databases (rs370395296, gnomAD 0.02%). This variant has not been reported in the literature in individuals affected with COQ7-related conditions. Algorithms developed to predict the effect of missense changes on protein structure and function output the following: SIFT: "Not Available"; PolyPhen-2: "Benign"; Align-GVGD: "Not Available". The serine amino acid residue is found in multiple mammalian species, which suggests that this missense change does not adversely affect protein function. In summary, the available evidence is currently insufficient to determine the role of this variant in disease. Therefore, it has been classified as a Variant of Uncertain Significance.